The following is an entry in ClinVar:

ClinVar aggregate classification (germline): Uncertain significance. Review status: criteria provided, multiple submitters, no conflicts (2 of 4 stars). 4 submissions from 4 submitters: Uncertain significance (4). Last evaluated 2025-03-03.

Conditions:
Nephronophthisis 15 (NPHP15). Identifiers: Orphanet 3156, MedGen C3541853, MONDO:0013917, OMIM 614845.
Inborn genetic diseases. Identifiers: MedGen C0950123, MeSH D030342.

Allele frequency attached by ClinVar (database versions not stated): gnomAD 0.00001; ExAC 0.00002; gnomAD exomes 0.00002; TOPMed 0.00002.
gnomAD v4.1: 44 of 1,614,066 alleles (0.0027%); highest among the groups gnomAD compares: East Asian, 0.0045%; no homozygotes.

Submissions (4):

Ambry Genetics
Classification: Uncertain significance for Inborn genetic diseases. Last evaluated: 2025-03-03. Review status: criteria provided, single submitter. Criteria: Ambry Variant Classification Scheme 2023. Collection method: clinical testing. Allele origin: germline.

Labcorp Genetics (formerly Invitae), Labcorp
Classification: Uncertain significance for Nephronophthisis 15. Last evaluated: 2022-08-22. Review status: criteria provided, single submitter. Criteria: Invitae Variant Classification Sherloc (09022015). Collection method: clinical testing. Allele origin: germline.
Comment: This sequence change replaces arginine, which is basic and polar, with cysteine, which is neutral and slightly polar, at codon 1361 of the CEP164 protein (p.Arg1361Cys). This variant is present in population databases (rs753906680, gnomAD 0.003%). This variant has not been reported in the literature in individuals affected with CEP164-related conditions. ClinVar contains an entry for this variant (Variation ID: 1007039). Algorithms developed to predict the effect of missense changes on protein structure and function are either unavailable or do not agree on the potential impact of this missense change (SIFT: "Deleterious"; PolyPhen-2: "Probably Damaging"; Align-GVGD: "Class C0"). In summary, the available evidence is currently insufficient to determine the role of this variant in disease. Therefore, it has been classified as a Variant of Uncertain Significance.

Blueprint Genetics
Classification: Uncertain significance. Last evaluated: 2022-05-27. Review status: criteria provided, single submitter. Criteria: ACMG Guidelines, 2015. Collection method: clinical testing. Allele origin: germline.

Fulgent Genetics
Classification: Uncertain significance for Nephronophthisis 15. Last evaluated: 2022-03-10. Review status: criteria provided, single submitter. Criteria: ACMG Guidelines, 2015. Collection method: clinical testing. Allele origin: unknown.

NM_014956.5(CEP164):c.4081C>T (p.Arg1361Cys)

Gene: CEP164 (centrosomal protein 164; plus strand). Cytogenetic location: 11q23.3.
Variant type: single nucleotide variant.
Coding change: c.4081C>T on transcript NM_014956.5 (MANE Select); coding-DNA position 4081, C replaced by T.
Protein change: p.Arg1361Cys; replaces arginine 1361 with cysteine.
Molecular consequence: missense variant.
Genome position (GRCh38, 1-based): chr11:117,409,950, C>T. VCF-style: chr11-117409950-C-T. GRCh37 (hg19) VCF-style: chr11-117280666-C-T.
Other names: c.4066C>T, p.Arg1356Cys (NM_001271933.2); c.4081C>T (NM_014956.4); short protein forms R1356C, R1361C.
Identifiers: ClinVar variation 1007039 (VCV001007039.9), dbSNP rs753906680, ClinGen allele CA6295660.